The following is an entry in ClinVar:

ClinVar aggregate classification (germline): Uncertain significance (1 of 4 stars; one submission).

gnomAD v4.1: 2 of 1,550,612 alleles (0.00013%); highest among the groups gnomAD compares: South Asian, 0.0012%; no homozygotes.

Submission:

GeneDx
Classification: Uncertain significance. Last evaluated: 2024-05-03. Review status: criteria provided, single submitter. Criteria: GeneDx Variant Classification Process June 2021. Collection method: clinical testing. Allele origin: germline. Affected: yes.
Comment: Not observed at significant frequency in large population cohorts (gnomAD); In silico analysis indicates that this missense variant does not alter protein structure/function; Has not been previously published as pathogenic or benign to our knowledge

NM_001292063.2(OTOG):c.5258C>T (p.Ala1753Val)

Gene: OTOG (otogelin; plus strand). Cytogenetic location: 11p15.1.
Variant type: single nucleotide variant.
Coding change: c.5258C>T on transcript NM_001292063.2 (MANE Select); coding-DNA position 5258, C replaced by T.
Protein change: p.Ala1753Val; replaces alanine 1753 with valine.
Molecular consequence: missense variant.
Genome position (GRCh38, 1-based): chr11:17,610,558, C>T. VCF-style: chr11-17610558-C-T. GRCh37 (hg19) VCF-style: chr11-17632105-C-T.
Other names: c.5294C>T, p.Ala1765Val (NM_001277269.2); short protein forms A1753V, A1765V.
Identifiers: ClinVar variation 3373270 (VCV003373270.1).